The following is an entry in ClinVar:

ClinVar aggregate classification (germline): Uncertain significance (0 of 4 stars; one submission).

Conditions:
ABCG5-related disorder. Also called: ABCG5-related condition.

gnomAD v4.1: 1 of 1,614,144 alleles (0.000062%); highest among the groups gnomAD compares: Non-Finnish European, 0.000085%; no homozygotes.

Submission:

PreventionGenetics, part of Exact Sciences
Classification: Uncertain significance for ABCG5-related condition. Last evaluated: 2023-11-09. Review status: no assertion criteria provided. Collection method: clinical testing. Allele origin: germline.
Comment: The ABCG5 c.1390A>C variant is predicted to result in the amino acid substitution p.Met464Leu. To our knowledge, this variant has not been reported in the literature or in a large population database, indicating this variant is rare. At this time, the clinical significance of this variant is uncertain due to the absence of conclusive functional and genetic evidence.

NM_022436.3(ABCG5):c.1390A>C (p.Met464Leu)

Genes: ABCG5 (ATP binding cassette subfamily G member 5; minus strand), DYNC2LI1 (dynein cytoplasmic 2 light intermediate chain 1; plus strand). Cytogenetic location: 2p21.
Variant type: single nucleotide variant.
Coding change: c.1390A>C on transcript NM_022436.3 (MANE Select); coding-DNA position 1390, A replaced by C.
Protein change: p.Met464Leu; replaces methionine 464 with leucine.
Molecular consequence: missense variant. On other transcripts: intron variant (2).
Genome position (GRCh38, 1-based): chr2:43,822,870, T>G on the plus strand (A>C on the coding strand, the complement: ABCG5 is on the minus strand). VCF-style: chr2-43822870-T-G. GRCh37 (hg19) VCF-style: chr2-44050009-T-G.
Other names: c.*16-4516T>G (NM_001348913.2, NM_001348912.2); short protein forms M464L.
Identifiers: ClinVar variation 3056236 (VCV003056236.2), dbSNP rs2465985474, ClinGen allele CA346663889.